The following is an entry in ClinVar:

NM_006393.3(NEBL):c.1508_1509del (p.Thr503fs)

Gene: NEBL (nebulette; minus strand). Cytogenetic location: 10p12.31.
Variant type: Microsatellite.
Coding change: c.1508_1509del on transcript NM_006393.3 (MANE Select); coding-DNA positions 1508 to 1509, 2 bases deleted (CA; older notation c.1508_1509delCA).
Protein change: p.Thr503fs; shifts the reading frame from threonine 503.
Molecular consequence: frameshift variant. On other transcripts: intron variant (9).
Genome position (GRCh38, 1-based): chr10:20,831,524-20,831,525, TG deleted on the plus strand (CA on the coding strand, the reverse complement: NEBL is on the minus strand); deleting any 2 consecutive bases within chr10:20,831,524-20,831,527 gives the same sequence; the c. name uses the placement nearest the transcript's 3' end. VCF-style (leftmost placement, unchanged base first): chr10-20831523-CTG-C. GRCh37 (hg19) VCF-style: chr10-21120452-CTG-C.
Other names: c.250-18585_250-18584del (NM_001377326.1, NM_001377327.1, NM_001377328.1); c.358-18585_358-18584del (NM_213569.2, NM_001173484.2, NM_001377322.1); c.301-18585_301-18584del (NM_001377324.1); c.292-18585_292-18584del (NM_001377325.1); c.310-18585_310-18584del (NM_001377323.1); short protein forms T503fs.
Identifiers: ClinVar variation 2131898 (VCV002131898.4), dbSNP rs1374917132, ClinGen allele CA662751393.
Genomic context (GRCh38, chr10:20,831,523, plus strand): 5'-GCTGTCTTACCTGGCTGGCCATCTCGGATGCTTTCTTAGCTCTCTGGACATCAAGAGTGT[CTG>C]TGCTCACCTGCATCCCTTTCCCTTTAATTTCAGTCTCCAGATCTCTTTTATAGTCTTTCT-3'

ClinVar aggregate classification (germline): Uncertain significance (1 of 4 stars; one submission).

Conditions:
Primary dilated cardiomyopathy (DCM). Also called: Dilated Cardiomyopathy. Identifiers: Orphanet 217604, MedGen C0007193, MeSH D002311, MONDO:0005021, HP:0001644. Inheritance: Various modes of inheritance.

Submission:

Labcorp Genetics (formerly Invitae), Labcorp
Classification: Uncertain significance for Primary dilated cardiomyopathy. Last evaluated: 2022-04-29. Review status: criteria provided, single submitter. Criteria: Invitae Variant Classification Sherloc (09022015). Collection method: clinical testing. Allele origin: germline.
Comment: This sequence change creates a premature translational stop signal (p.Thr503Argfs*4) in the NEBL gene. It is expected to result in an absent or disrupted protein product. However, the current clinical and genetic evidence is not sufficient to establish whether loss-of-function variants in NEBL cause disease. This variant is not present in population databases (gnomAD no frequency). This variant has not been reported in the literature in individuals affected with NEBL-related conditions. In summary, the available evidence is currently insufficient to determine the role of this variant in disease. Therefore, it has been classified as a Variant of Uncertain Significance.